The following is an entry in ClinVar:

ClinVar aggregate classification (germline): Uncertain significance (1 of 4 stars; one submission).

Allele frequency attached by ClinVar (database versions not stated): gnomAD exomes below 0.00001; TOPMed below 0.00001; gnomAD 0.00001.
gnomAD v4.1: 6 of 1,613,952 alleles (0.00037%); highest among the groups gnomAD compares: African/African-American, 0.0027%; no homozygotes.

Submission:

Labcorp Genetics (formerly Invitae), Labcorp
Classification: Uncertain significance. Last evaluated: 2022-08-01. Review status: criteria provided, single submitter. Criteria: Invitae Variant Classification Sherloc (09022015). Collection method: clinical testing. Allele origin: germline.
Comment: In summary, the available evidence is currently insufficient to determine the role of this variant in disease. Therefore, it has been classified as a Variant of Uncertain Significance. Algorithms developed to predict the effect of missense changes on protein structure and function output the following: SIFT: "Tolerated"; PolyPhen-2: "Benign"; Align-GVGD: "Class C0". The isoleucine amino acid residue is found in multiple mammalian species, which suggests that this missense change does not adversely affect protein function. This variant has not been reported in the literature in individuals affected with BPTF-related conditions. This variant is not present in population databases (gnomAD no frequency). This sequence change replaces valine, which is neutral and non-polar, with isoleucine, which is neutral and non-polar, at codon 1296 of the BPTF protein (p.Val1296Ile).

NM_182641.4(BPTF):c.3508G>A (p.Val1170Ile)

Gene: BPTF (bromodomain PHD finger transcription factor; plus strand). Cytogenetic location: 17q24.2.
Variant type: single nucleotide variant.
Coding change: c.3508G>A on transcript NM_182641.4 (MANE Select); coding-DNA position 3508, G replaced by A.
Protein change: p.Val1170Ile; replaces valine 1170 with isoleucine.
Molecular consequence: missense variant.
Genome position (GRCh38, 1-based): chr17:67,911,392, G>A. VCF-style: chr17-67911392-G-A. GRCh37 (hg19) VCF-style: chr17-65907508-G-A.
Other names: c.3886G>A, p.Val1296Ile (NM_004459.7); short protein forms V1296I, V1170I.
Identifiers: ClinVar variation 2158245 (VCV002158245.4), dbSNP rs1425065347, ClinGen allele CA400726697.
Genomic context (GRCh38, chr17:67,911,392, plus strand): 5'-ATGAGTGATCCTAGTCATACCACAAACAAACTTTATCCAAAAGATCGAGTGTTAGATGAT[G>A]TCTCCATTCGGAGCCCAGAAACAAAATGTCCGAAACAAAATTCCATTGAAAATGACATAG-3'
Protein context (NP_872579.2, residues 1160-1180): LYPKDRVLDD[Val1170Ile]SIRSPETKCP